The following is an entry in ClinVar:

NM_001303052.2(MYT1L):c.2348G>A (p.Arg783Gln)

Gene: MYT1L (myelin transcription factor 1 like; minus strand). Cytogenetic location: 2p25.3.
Variant type: single nucleotide variant.
Coding change: c.2348G>A on transcript NM_001303052.2 (MANE Select); coding-DNA position 2348, G replaced by A.
Protein change: p.Arg783Gln; replaces arginine 783 with glutamine.
Molecular consequence: missense variant.
Genome position (GRCh38, 1-based): chr2:1,889,413, C>T on the plus strand (G>A on the coding strand, the complement: MYT1L is on the minus strand). VCF-style: chr2-1889413-C-T. GRCh37 (hg19) VCF-style: chr2-1893185-C-T.
Other names: c.2348G>A, p.Arg783Gln (NM_001329844.2, NM_001329845.1, NM_001329851.3); c.2342G>A, p.Arg781Gln (NM_001329846.3, NM_001329847.2, NM_001329848.1 and 3 more transcripts); short protein forms R781Q, R783Q.
Identifiers: ClinVar variation 1307936 (VCV001307936.3), dbSNP rs2048553228, ClinGen allele CA345711003.
Genomic context (GRCh38, chr2:1,889,413, plus strand): 5'-ACTGCCTGCTGCTGGGGGGACATGGGCTCCAGAGGGGTCAGGATGGGGCAGCAGCTGTCC[C>T]GCGGCCTCTGCTTGTTCATGCTGAGGTCCAGGGTCCCGTTCTCATCCACCTCCATGTCAG-3'
Protein context (NP_001289981.1, residues 773-793): LDLSMNKQRP[Arg783Gln]DSCCPILTPL

ClinVar aggregate classification (germline): Uncertain significance. Review status: criteria provided, multiple submitters, no conflicts (2 of 4 stars). 2 submissions from 2 submitters: Uncertain significance (2). Last evaluated 2025-08-22.

Conditions:
Inborn genetic diseases. Identifiers: MedGen C0950123, MeSH D030342.

Allele frequency attached by ClinVar (database versions not stated): gnomAD exomes below 0.00001; gnomAD 0.00001.
gnomAD v4.1: 4 of 1,613,680 alleles (0.00025%); highest among the groups gnomAD compares: African/African-American, 0.0013%; no homozygotes.

Submissions (2):

Ambry Genetics
Classification: Uncertain significance for Inborn genetic diseases. Last evaluated: 2025-08-22. Review status: criteria provided, single submitter. Criteria: Ambry Variant Classification Scheme 2023. Collection method: clinical testing. Allele origin: germline.

GeneDx
Classification: Uncertain significance. Last evaluated: 2019-08-21. Review status: criteria provided, single submitter. Criteria: GeneDx Variant Classification Process June 2021. Collection method: clinical testing. Allele origin: germline. Affected: yes.
Comment: Not observed in large population cohorts (Lek et al., 2016); In silico analysis, which includes protein predictors and evolutionary conservation, supports that this variant does not alter protein structure/function; Has not been previously published as pathogenic or benign to our knowledge